The following is an entry in ClinVar:

ClinVar aggregate classification (germline): Likely pathogenic. Review status: criteria provided, multiple submitters, no conflicts (2 of 4 stars). 2 submissions from 2 submitters: Likely pathogenic (2). Last evaluated 2024-01-29.

Conditions:
Ellis-van Creveld syndrome (EVC). Also called: MESOECTODERMAL DYSPLASIA; Chondroectodermal dysplasia. Identifiers: Orphanet 289, MedGen C0013903, MONDO:0009162, OMIM 225500.
Curry-Hall syndrome (WAD). Also called: WEYERS ACRODENTAL DYSOSTOSIS. Identifiers: Orphanet 952, MedGen C0457013, MONDO:0008673, OMIM 193530.

Submissions (2):

Labcorp Genetics (formerly Invitae), Labcorp
Classification: Likely pathogenic for Curry-Hall syndrome; Ellis-van Creveld syndrome. Last evaluated: 2024-01-29. Review status: criteria provided, single submitter. Criteria: Invitae Variant Classification Sherloc (09022015). Collection method: clinical testing. Allele origin: germline.
Comment: This variant results in the deletion of part of exon 18 (c.2562-3_2584del) of the EVC gene. It is expected to disrupt RNA splicing. Variants that disrupt the donor or acceptor splice site typically lead to a loss of protein function (PMID: 16199547), and loss-of-function variants in EVC are known to be pathogenic (PMID: 23220543). This variant is not present in population databases (gnomAD no frequency). This variant has not been reported in the literature in individuals affected with EVC-related conditions. ClinVar contains an entry for this variant (Variation ID: 666179). In summary, the currently available evidence indicates that the variant is pathogenic, but additional data are needed to prove that conclusively. Therefore, this variant has been classified as Likely Pathogenic.

Juno Genomics, Hangzhou Juno Genomics, Inc
Classification: Likely pathogenic for Curry-Hall syndrome; Ellis-van Creveld syndrome. Review status: criteria provided, single submitter. Criteria: ACMG Guidelines, 2015. Collection method: clinical testing. Allele origin: germline.
Comment: Null variant in a gene where loss of function (LOF) is a known mechanism of disease.;Absent from controls (or at extremely low frequency if recessive) in Genome Aggregation Database.

Literature cited by the submitters: PubMed 16199547 (cited by Labcorp Genetics (formerly Invitae), Labcorp); PubMed 23220543 (cited by Labcorp Genetics (formerly Invitae), Labcorp).

NM_153717.3(EVC):c.2562-3_2584del

Gene: EVC (EvC ciliary complex subunit 1; plus strand). Cytogenetic location: 4p16.2.
Variant type: Deletion.
Coding change: c.2562-3_2584del on transcript NM_153717.3 (MANE Select); 3 bases into the intron before coding-DNA position 2562 through coding-DNA position 2584, 26 bases deleted (CAGGATGCTGTCCCAGCAGAAGAGGT).
Molecular consequence: splice acceptor variant.
Genome position (GRCh38, 1-based): chr4:5,808,198-5,808,223, CAGGATGCTGTCCCAGCAGAAGAGGT deleted. VCF-style (leftmost placement, unchanged base first): chr4-5808197-CCAGGATGCTGTCCCAGCAGAAGAGGT-C. GRCh37 (hg19) VCF-style: chr4-5809924-CCAGGATGCTGTCCCAGCAGAAGAGGT-C.
Other names: c.2562-3_2584del (NM_001306090.2).
Identifiers: ClinVar variation 666179 (VCV000666179.9), dbSNP rs1577663625, ClinGen allele CA915943013.
Genomic context (GRCh38, chr4:5,808,197, plus strand): 5'-CCCTCCCTCCCTCCCTCCCTCCCTTCCTTCCTCCCTGCCAGCCTGCCTGCCTTCCTCCCC[CCAGGATGCTGTCCCAGCAGAAGAGGT>C]TCCTGGCCCAGTTCCCAGTGCACCAGCAGATGCGTCTGCACGCCCAGCAGCAGCAGGCAG-3'